The following is an entry in ClinVar:

ClinVar aggregate classification (germline): Uncertain significance. Review status: criteria provided, multiple submitters, no conflicts (2 of 4 stars). 5 submissions from 5 submitters: Uncertain significance (5). Last evaluated 2026-03-25.

Conditions:
TBX1-related disorder. Also called: TBX1-Related Disorders; TBX1-related condition.
Cardiovascular phenotype. Identifiers: MedGen CN230736.
DiGeorge syndrome. Also called: THIRD AND FOURTH PHARYNGEAL POUCH SYNDROME; Catch22. Identifiers: Orphanet 567, MedGen C0012236, MONDO:0008564, OMIM 188400.

Allele frequency attached by ClinVar (database versions not stated): gnomAD 0.00001; TOPMed 0.00001; gnomAD exomes 0.00002.

Submissions (5):

PreventionGenetics, part of Exact Sciences
Classification: Uncertain significance for TBX1-related condition. Last evaluated: 2026-03-25. Review status: criteria provided, single submitter. Criteria: ACMG Guidelines, 2015. Collection method: clinical testing. Allele origin: germline.
Comment: The TBX1 c.438G>C variant is predicted to result in the amino acid substitution p.Lys146Asn. To our knowledge, this variant has not been reported in the literature or in a large population database (gnomAD), indicating this variant is rare. At this time, the clinical significance of this variant is uncertain due to the absence of conclusive functional and genetic evidence.

Ambry Genetics
Classification: Uncertain significance for Cardiovascular phenotype. Last evaluated: 2025-11-25. Review status: criteria provided, single submitter. Criteria: Ambry Variant Classification Scheme 2023. Collection method: clinical testing. Allele origin: germline.

Labcorp Genetics (formerly Invitae), Labcorp
Classification: Uncertain significance for DiGeorge syndrome. Last evaluated: 2025-10-29. Review status: criteria provided, single submitter. Criteria: Invitae Variant Classification Sherloc (09022015). Collection method: clinical testing. Allele origin: germline.
Comment: This sequence change replaces lysine, which is basic and polar, with asparagine, which is neutral and polar, at codon 146 of the TBX1 protein (p.Lys146Asn). This variant is not present in population databases (gnomAD no frequency). This variant has not been reported in the literature in individuals affected with TBX1-related conditions. ClinVar contains an entry for this variant (Variation ID: 1740217). Invitae Evidence Modeling of protein sequence and biophysical properties (such as structural, functional, and spatial information, amino acid conservation, physicochemical variation, residue mobility, and thermodynamic stability) indicates that this missense variant is not expected to disrupt TBX1 protein function with a negative predictive value of 80%. In summary, the available evidence is currently insufficient to determine the role of this variant in disease. Therefore, it has been classified as a Variant of Uncertain Significance.

Women's Health and Genetics/Laboratory Corporation of America, LabCorp
Classification: Uncertain significance. Last evaluated: 2025-05-27. Review status: criteria provided, single submitter. Criteria: LabCorp Variant Classification Summary - May 2015. Collection method: clinical testing. Allele origin: germline.
Comment: Variant summary: TBX1 c.438G>C (p.Lys146Asn) results in a non-conservative amino acid change in the encoded protein sequence. Algorithms developed to predict the effect of missense changes on protein structure and function all suggest that this variant is likely to be disruptive. The variant was absent in 251390 control chromosomes. The available data on variant occurrences in the general population are insufficient to allow any conclusion about variant significance. To our knowledge, no occurrence of c.438G>C in individuals affected with TBX1-Related Disorders and no experimental evidence demonstrating its impact on protein function have been reported. ClinVar contains an entry for this variant (Variation ID: 1740217). Based on the evidence outlined above, the variant was classified as uncertain significance.

Blueprint Genetics
Classification: Uncertain significance. Last evaluated: 2022-02-03. Review status: criteria provided, single submitter. Criteria: ACMG Guidelines, 2015. Collection method: clinical testing. Allele origin: germline.

NM_001379200.1(TBX1):c.465G>C (p.Lys155Asn)

Gene: TBX1 (T-box transcription factor 1; plus strand). Cytogenetic location: 22q11.21.
Variant type: single nucleotide variant.
Coding change: c.465G>C on transcript NM_001379200.1 (MANE Select); coding-DNA position 465, G replaced by C.
Protein change: p.Lys155Asn; replaces lysine 155 with asparagine.
Molecular consequence: missense variant.
Genome position (GRCh38, 1-based): chr22:19,763,268, G>C. VCF-style: chr22-19763268-G-C. GRCh37 (hg19) VCF-style: chr22-19750791-G-C.
Other names: c.438G>C, p.Lys146Asn (NM_005992.1, NM_080646.2, NM_080647.1); short protein forms K146N, K155N.
Identifiers: ClinVar variation 1740217 (VCV001740217.11), dbSNP rs1390945862, ClinGen allele CA410682138.
Genomic context (GRCh38, chr22:19,763,268, plus strand): 5'-AGCTAGGGTGACCCAAGGCCTCATCACCCCCAGGCGGATGTTTCCCACCTTCCAAGTGAA[G>C]CTCTTCGGCATGGATCCCATGGCCGACTATATGCTGCTCATGGACTTCGTGCCGGTGGAC-3'
Protein context (NP_001366129.1, residues 145-165): GRRMFPTFQV[Lys155Asn]LFGMDPMADY